The following is an entry in ClinVar:

ClinVar aggregate classification (germline): Uncertain significance (1 of 4 stars; one submission).

Conditions:
Norman-Roberts syndrome (LIS2). Also called: Lissencephaly 2 (Norman-Roberts type). Identifiers: Orphanet 89844, MedGen C0796089, MONDO:0009760, OMIM 257320.
Familial temporal lobe epilepsy 7. Identifiers: Orphanet 101046, MedGen C4225327, MONDO:0014639, OMIM 616436.

Allele frequency attached by ClinVar (database versions not stated): gnomAD 0.00001.
gnomAD v4.1: 1 of 1,613,368 alleles (0.000062%); highest among the groups gnomAD compares: Non-Finnish European, 0.000085%; no homozygotes.

Submission:

Labcorp Genetics (formerly Invitae), Labcorp
Classification: Uncertain significance for Familial temporal lobe epilepsy 7; Norman-Roberts syndrome. Last evaluated: 2022-03-11. Review status: criteria provided, single submitter. Criteria: Invitae Variant Classification Sherloc (09022015). Collection method: clinical testing. Allele origin: germline.
Comment: In summary, the available evidence is currently insufficient to determine the role of this variant in disease. Therefore, it has been classified as a Variant of Uncertain Significance. Algorithms developed to predict the effect of missense changes on protein structure and function are either unavailable or do not agree on the potential impact of this missense change (SIFT: "Deleterious"; PolyPhen-2: "Possibly Damaging"; Align-GVGD: "Class C0"). This variant has not been reported in the literature in individuals affected with RELN-related conditions. This variant is not present in population databases (gnomAD no frequency). This sequence change replaces isoleucine, which is neutral and non-polar, with threonine, which is neutral and polar, at codon 856 of the RELN protein (p.Ile856Thr).

NM_005045.4(RELN):c.2567T>C (p.Ile856Thr)

Gene: RELN (reelin; minus strand). Cytogenetic location: 7q22.1.
Variant type: single nucleotide variant.
Coding change: c.2567T>C on transcript NM_005045.4 (MANE Select); coding-DNA position 2567, T replaced by C.
Protein change: p.Ile856Thr; replaces isoleucine 856 with threonine.
Molecular consequence: missense variant.
Genome position (GRCh38, 1-based): chr7:103,630,075, A>G on the plus strand (T>C on the coding strand, the complement: RELN is on the minus strand). VCF-style: chr7-103630075-A-G. GRCh37 (hg19) VCF-style: chr7-103270522-A-G.
Other names: c.2567T>C, p.Ile856Thr (NM_173054.3); short protein forms I856T.
Identifiers: ClinVar variation 2109119 (VCV002109119.4), dbSNP rs1832417858, ClinGen allele CA368758577.